The following is an entry in ClinVar:

NM_001220.5(CAMK2B):c.1239del (p.Asp414fs)

Gene: CAMK2B (calcium/calmodulin dependent protein kinase II beta; minus strand). Cytogenetic location: 7p13.
Variant type: Deletion.
Coding change: c.1239del on transcript NM_001220.5 (MANE Select); coding-DNA position 1239, one base deleted (C; older notation c.1239delC).
Protein change: p.Asp414fs; shifts the reading frame from aspartic acid 414.
Molecular consequence: frameshift variant. On other transcripts: intron variant (8).
Genome position (GRCh38, 1-based): chr7:44,229,488, G deleted on the plus strand (C on the coding strand, the reverse complement: CAMK2B is on the minus strand); the first of 4 consecutive G bases (chr7:44,229,488-44,229,491); deleting any one gives the same sequence. VCF-style (leftmost placement, unchanged base first): chr7-44229487-CG-C. GRCh37 (hg19) VCF-style: chr7-44269086-CG-C.
Other names: c.947-8587del (NM_172084.3); c.1150+1518del (NM_172080.3); c.1036+1518del (NM_172083.3); c.1108+1518del (NM_172081.3); c.1153+1518del (NM_172079.3, NM_172082.3); c.1225+1518del (NM_001293170.2, NM_172078.3); short protein forms D414fs.
Identifiers: ClinVar variation 2100548 (VCV002100548.4), dbSNP rs2485430480, ClinGen allele CA2580077162.

ClinVar aggregate classification (germline): Uncertain significance (1 of 4 stars; one submission).

Submission:

Labcorp Genetics (formerly Invitae), Labcorp
Classification: Uncertain significance. Last evaluated: 2022-10-25. Review status: criteria provided, single submitter. Criteria: Invitae Variant Classification Sherloc (09022015). Collection method: clinical testing. Allele origin: germline.
Comment: This sequence change creates a premature translational stop signal (p.Asp414Thrfs*3) in the CAMK2B gene. It is expected to result in an absent or disrupted protein product. However, the current clinical and genetic evidence is not sufficient to establish whether loss-of-function variants in CAMK2B cause disease. This variant is not present in population databases (gnomAD no frequency). This variant has not been reported in the literature in individuals affected with CAMK2B-related conditions. In summary, the available evidence is currently insufficient to determine the role of this variant in disease. Therefore, it has been classified as a Variant of Uncertain Significance.